The following is an entry in ClinVar:

ClinVar aggregate classification (germline): Uncertain significance (1 of 4 stars; one submission).

Submission:

Labcorp Genetics (formerly Invitae), Labcorp
Classification: Uncertain significance. Last evaluated: 2024-12-04. Review status: criteria provided, single submitter. Criteria: Invitae Variant Classification Sherloc (09022015). Collection method: clinical testing. Allele origin: germline.
Comment: This sequence change replaces threonine, which is neutral and polar, with isoleucine, which is neutral and non-polar, at codon 160 of the RHO protein (p.Thr160Ile). This variant is not present in population databases (gnomAD no frequency). This variant has not been reported in the literature in individuals affected with RHO-related conditions. Invitae Evidence Modeling of protein sequence and biophysical properties (such as structural, functional, and spatial information, amino acid conservation, physicochemical variation, residue mobility, and thermodynamic stability) has been performed for this missense variant. However, the output from this modeling did not meet the statistical confidence thresholds required to predict the impact of this variant on RHO protein function. In summary, the available evidence is currently insufficient to determine the role of this variant in disease. Therefore, it has been classified as a Variant of Uncertain Significance.

NM_000539.3(RHO):c.479C>T (p.Thr160Ile)

Gene: RHO (rhodopsin; plus strand). Cytogenetic location: 3q22.1.
Variant type: single nucleotide variant.
Coding change: c.479C>T on transcript NM_000539.3 (MANE Select); coding-DNA position 479, C replaced by T.
Protein change: p.Thr160Ile; replaces threonine 160 with isoleucine.
Molecular consequence: missense variant.
Genome position (GRCh38, 1-based): chr3:129,530,993, C>T. VCF-style: chr3-129530993-C-T. GRCh37 (hg19) VCF-style: chr3-129249836-C-T.
Other names: short protein forms T160I.
Identifiers: ClinVar variation 3603644 (VCV003603644.2).